The following is an entry in ClinVar:

ClinVar aggregate classification (germline): Pathogenic (1 of 4 stars; one submission).

Conditions:
Muscular dystrophy-dystroglycanopathy (congenital with impaired intellectual development), type B, 2. Also called: MUSCULAR DYSTROPHY, CONGENITAL, POMT2-RELATED; Muscular dystrophy-dystroglycanopathy (congenital with intellectual disability), type B2. Identifiers: MedGen C3150416, MONDO:0013160, OMIM 613156.
Muscular dystrophy-dystroglycanopathy (congenital with brain and eye anomalies), type A2. Also called: MUSCULAR DYSTROPHY-DYSTROGLYCANOPATHY (CONGENITAL WITH BRAIN AND EYE ANOMALIES), TYPE A, 2; WALKER-WARBURG SYNDROME OR MUSCLE-EYE-BRAIN DISEASE, POMT2-RELATED. Identifiers: Orphanet 588, Orphanet 899, MedGen C3150411, MONDO:0013154, OMIM 613150.
Autosomal recessive limb-girdle muscular dystrophy type 2N. Also called: MUSCULAR DYSTROPHY-DYSTROGLYCANOPATHY, LIMB-GIRDLE, POMT2-RELATED; Muscular dystrophy-dystroglycanopathy (limb-girdle), type C, 2. Identifiers: Orphanet 206559, MedGen C3150418, MONDO:0013162, OMIM 613158.

Submission:

Labcorp Genetics (formerly Invitae), Labcorp
Classification: Pathogenic for Muscular dystrophy-dystroglycanopathy (congenital with impaired intellectual development), type B, 2; Muscular dystrophy-dystroglycanopathy (congenital with brain and eye anomalies), type A2; Autosomal recessive limb-girdle muscular dystrophy type 2N. Last evaluated: 2023-05-19. Review status: criteria provided, single submitter. Criteria: Invitae Variant Classification Sherloc (09022015). Collection method: clinical testing. Allele origin: germline.
Comment: This sequence change creates a premature translational stop signal (p.Cys688*) in the POMT2 gene. It is expected to result in an absent or disrupted protein product. Loss-of-function variants in POMT2 are known to be pathogenic (PMID: 15894594). This variant is not present in population databases (gnomAD no frequency). For these reasons, this variant has been classified as Pathogenic. This variant has not been reported in the literature in individuals affected with POMT2-related conditions.

Literature cited by the submitters: PubMed 15894594.

NM_013382.7(POMT2):c.2064T>A (p.Cys688Ter)

Gene: POMT2 (protein O-mannosyltransferase 2; minus strand). Cytogenetic location: 14q24.3.
Variant type: single nucleotide variant.
Coding change: c.2064T>A on transcript NM_013382.7 (MANE Select); coding-DNA position 2064, T replaced by A.
Protein change: p.Cys688Ter; replaces cysteine 688 with a stop codon.
Molecular consequence: nonsense.
Genome position (GRCh38, 1-based): chr14:77,278,477, A>T on the plus strand (T>A on the coding strand, the complement: POMT2 is on the minus strand). VCF-style: chr14-77278477-A-T. GRCh37 (hg19) VCF-style: chr14-77744820-A-T.
Other names: short protein forms C688*.
Identifiers: ClinVar variation 2935877 (VCV002935877.3), dbSNP rs2503152623, ClinGen allele CA390513589.